The following is an entry in ClinVar:

ClinVar aggregate classification (germline): Uncertain significance (1 of 4 stars; one submission).

Allele frequency attached by ClinVar (database versions not stated): gnomAD exomes 0.00001; ExAC 0.00002.
gnomAD v4.1: 4 of 1,613,952 alleles (0.00025%); highest among the groups gnomAD compares: Admixed American, 0.0033%; no homozygotes.

Submission:

Ambry Genetics
Classification: Uncertain significance. Last evaluated: 2022-11-17. Review status: criteria provided, single submitter. Criteria: Ambry Variant Classification Scheme 2023. Collection method: clinical testing. Allele origin: germline.
Comment: The p.I2014V variant (also known as c.6040A>G), located in coding exon 10 of the ALPK2 gene, results from an A to G substitution at nucleotide position 6040. The isoleucine at codon 2014 is replaced by valine, an amino acid with highly similar properties. This amino acid position is conserved. In addition, this alteration is predicted to be tolerated by in silico analysis. Since supporting evidence is limited at this time, the clinical significance of this alteration remains unclear.

NM_052947.4(ALPK2):c.6040A>G (p.Ile2014Val)

Gene: ALPK2 (alpha kinase 2; minus strand). Cytogenetic location: 18q21.31.
Variant type: single nucleotide variant.
Coding change: c.6040A>G on transcript NM_052947.4 (MANE Select); coding-DNA position 6040, A replaced by G.
Protein change: p.Ile2014Val; replaces isoleucine 2014 with valine.
Molecular consequence: missense variant.
Genome position (GRCh38, 1-based): chr18:58,504,138, T>C on the plus strand (A>G on the coding strand, the complement: ALPK2 is on the minus strand). VCF-style: chr18-58504138-T-C. GRCh37 (hg19) VCF-style: chr18-56171370-T-C.
Other names: short protein forms I2014V.
Identifiers: ClinVar variation 2497275 (VCV002497275.2), dbSNP rs756334025, ClinGen allele CA8976265.